The following is an entry in ClinVar:

NM_000576.3(IL1B):c.28G>A (p.Glu10Lys)

Gene: IL1B (interleukin 1 beta; minus strand). Cytogenetic location: 2q14.1.
Variant type: single nucleotide variant.
Coding change: c.28G>A on transcript NM_000576.3 (MANE Select); coding-DNA position 28, G replaced by A.
Protein change: p.Glu10Lys; replaces glutamic acid 10 with lysine.
Molecular consequence: missense variant.
Genome position (GRCh38, 1-based): chr2:112,836,202, C>T on the plus strand (G>A on the coding strand, the complement: IL1B is on the minus strand). VCF-style: chr2-112836202-C-T. GRCh37 (hg19) VCF-style: chr2-113593779-C-T.
Other names: short protein forms E10K.
Identifiers: ClinVar variation 1049443 (VCV001049443.1), dbSNP rs376289593, ClinGen allele CA1837409.

ClinVar aggregate classification (germline): Uncertain significance (0 of 4 stars; one submission).

Allele frequency attached by ClinVar (database versions not stated): gnomAD 0.00001 and 0.00005; TOPMed 0.00001; gnomAD exomes 0.00007 and 0.00012; ESP Exome Variant Server 0.00008; ExAC 0.00012; 1000 Genomes Project 30x 0.00016; 1000 Genomes Project 0.00020.

Submission:

Department of Pathology and Laboratory Medicine, Sinai Health System
Classification: Uncertain significance. Review status: no assertion criteria provided. Collection method: clinical testing. Allele origin: unknown. Affected: yes. Study: The Canadian Open Genetics Repository (COGR).
Comment: The IL1B p.Glu10Lys variant was not identified in the literature nor was it identified in ClinVar or Cosmic. The variant was identified in dbSNP (ID: rs376289593), LOVD 3.0 and in control databases in 29 of 251464 chromosomes at a frequency of 0.000115 (Genome Aggregation Database Feb 27, 2017). The variant was observed in the following populations: South Asian in 24 of 30616 chromosomes (freq: 0.000784), Other in 2 of 6138 chromosomes (freq: 0.000326) and European (non-Finnish) in 3 of 113746 chromosomes (freq: 0.000026), while the variant was not observed in the African, Latino, Ashkenazi Jewish, East Asian, and European (Finnish) populations. The p.Glu10 residue is not conserved in mammals and four out of five computational analyses (SIFT, AlignGVGD, BLOSUM, MutationTaster) do not suggest a high likelihood of impact to the protein; however, this information is not predictive enough to rule out pathogenicity. The variant occurs outside of the splicing consensus sequence and in silico or computational prediction software programs (SpliceSiteFinder, MaxEntScan, NNSPLICE, GeneSplicer) do not predict a difference in splicing. In summary, based on the above information the clinical significance of this variant cannot be determined with certainty at this time. This variant is classified as a variant of uncertain significance.